The following is an entry in ClinVar:

NM_001849.4(COL6A2):c.2227A>T (p.Asn743Tyr)

Gene: COL6A2 (collagen type VI alpha 2 chain; plus strand). Cytogenetic location: 21q22.3.
Variant type: single nucleotide variant.
Coding change: c.2227A>T on transcript NM_001849.4 (MANE Select); coding-DNA position 2227, A replaced by T.
Protein change: p.Asn743Tyr; replaces asparagine 743 with tyrosine.
Molecular consequence: missense variant.
Genome position (GRCh38, 1-based): chr21:46,126,042, A>T. VCF-style: chr21-46126042-A-T. GRCh37 (hg19) VCF-style: chr21-47545956-A-T.
Other names: c.2227A>T, p.Asn743Tyr (NM_058174.3, NM_058175.3); short protein forms N743Y.
Identifiers: ClinVar variation 4078374 (VCV004078374.2).
Genomic context (GRCh38, chr21:46,126,042, plus strand): 5'-ACACGTGTGTTTGCGGTGGTCATCACGGACGGGCGCCACGACCCTCGGGACGATGACCTC[A>T]ACTTGCGGGCGCTGTGCGACCGCGACGTCACAGTGACGGCCATCGGCATCGGGGACATGT-3'
Protein context (NP_001840.3, residues 733-753): GRHDPRDDDL[Asn743Tyr]LRALCDRDVT

ClinVar aggregate classification (germline): Uncertain significance. Review status: criteria provided, multiple submitters, no conflicts (2 of 4 stars). 2 submissions from 2 submitters: Uncertain significance (2). Last evaluated 2025-10-28.

Conditions:
Bethlem myopathy 1A. Also called: MYOPATHY, BENIGN CONGENITAL, WITH CONTRACTURES; Bethlem myopathy 1; Bethlem Muscular Dystrophy. Identifiers: Orphanet 610, MedGen CN029274, MONDO:0024530, OMIM 158810.

gnomAD v4.1: 3 of 1,613,022 alleles (0.00019%); highest among the groups gnomAD compares: South Asian, 0.0033%; no homozygotes.

Submissions (2):

Labcorp Genetics (formerly Invitae), Labcorp
Classification: Uncertain significance for Bethlem myopathy 1A. Last evaluated: 2025-10-28. Review status: criteria provided, single submitter. Criteria: Invitae Variant Classification Sherloc (09022015). Collection method: clinical testing. Allele origin: germline.
Comment: This sequence change replaces asparagine, which is neutral and polar, with tyrosine, which is neutral and polar, at codon 743 of the COL6A2 protein (p.Asn743Tyr). This variant is not present in population databases (gnomAD no frequency). This variant has not been reported in the literature in individuals affected with COL6A2-related conditions. ClinVar contains an entry for this variant (Variation ID: 4078374). Invitae Evidence Modeling of protein sequence and biophysical properties (such as structural, functional, and spatial information, amino acid conservation, physicochemical variation, residue mobility, and thermodynamic stability) indicates that this missense variant is not expected to disrupt COL6A2 protein function with a negative predictive value of 80%. In summary, the available evidence is currently insufficient to determine the role of this variant in disease. Therefore, it has been classified as a Variant of Uncertain Significance.

Revvity Omics, Revvity
Classification: Uncertain significance. Last evaluated: 2024-08-08. Review status: criteria provided, single submitter. Criteria: ACMG Guidelines, 2015. Collection method: clinical testing. Allele origin: germline.